The following is an entry in ClinVar:

ClinVar aggregate classification (germline): Uncertain significance (1 of 4 stars; one submission).

Conditions:
Congenital contractural arachnodactyly (CCA). Also called: Beals-Hecht syndrome; BEALS SYNDROME; Arthrogryposis, distal, type 9. Identifiers: Orphanet 115, MedGen C0220668, MONDO:0007363, OMIM 121050.

gnomAD v4.1: 2 of 1,614,034 alleles (0.00012%); highest among the groups gnomAD compares: Non-Finnish European, 0.00017%; no homozygotes.

Submission:

Labcorp Genetics (formerly Invitae), Labcorp
Classification: Uncertain significance for Congenital contractural arachnodactyly. Last evaluated: 2025-06-24. Review status: criteria provided, single submitter. Criteria: Invitae Variant Classification Sherloc (09022015). Collection method: clinical testing. Allele origin: germline.
Comment: This sequence change replaces isoleucine, which is neutral and non-polar, with valine, which is neutral and non-polar, at codon 191 of the FBN2 protein (p.Ile191Val). This variant is not present in population databases (gnomAD no frequency). This variant has not been reported in the literature in individuals affected with FBN2-related conditions. Invitae Evidence Modeling of protein sequence and biophysical properties (such as structural, functional, and spatial information, amino acid conservation, physicochemical variation, residue mobility, and thermodynamic stability) indicates that this missense variant is not expected to disrupt FBN2 protein function with a negative predictive value of 95%. In summary, the available evidence is currently insufficient to determine the role of this variant in disease. Therefore, it has been classified as a Variant of Uncertain Significance.

NM_001999.4(FBN2):c.571A>G (p.Ile191Val)

Gene: FBN2 (fibrillin 2; minus strand). Cytogenetic location: 5q23.3.
Variant type: single nucleotide variant.
Coding change: c.571A>G on transcript NM_001999.4 (MANE Select); coding-DNA position 571, A replaced by G.
Protein change: p.Ile191Val; replaces isoleucine 191 with valine.
Molecular consequence: missense variant.
Genome position (GRCh38, 1-based): chr5:128,519,330, T>C on the plus strand (A>G on the coding strand, the complement: FBN2 is on the minus strand). VCF-style: chr5-128519330-T-C. GRCh37 (hg19) VCF-style: chr5-127855023-T-C.
Other names: short protein forms I191V.
Identifiers: ClinVar variation 4768324 (VCV004768324.1).